The following is an entry in ClinVar:

NM_004360.5(CDH1):c.2165-14C>T

Gene: CDH1 (cadherin 1; plus strand). Cytogenetic location: 16q22.1.
Variant type: single nucleotide variant.
Coding change: c.2165-14C>T on transcript NM_004360.5 (MANE Select); 14 bases into the intron before coding-DNA position 2165, C replaced by T.
Molecular consequence: intron variant.
Genome position (GRCh38, 1-based): chr16:68,828,160, C>T. VCF-style: chr16-68828160-C-T. GRCh37 (hg19) VCF-style: chr16-68862063-C-T.
Other names: c.617-14C>T (NM_001317185.2); c.200-14C>T (NM_001317186.2); c.1982-14C>T (NM_001317184.2).
Identifiers: ClinVar variation 1545866 (VCV001545866.9), dbSNP rs1369257168, ClinGen allele CA723142225.
Genomic context (GRCh38, chr16:68,828,160, plus strand): 5'-CTGTGATAGCTGCTGCTTCTGGCCTTCTTTATCTTTGGCTCTCAACACTTGCTCTGTCTC[C>T]CCCACCATCCCAGTTCTGATTCTGCTGCTCTTGCTGTTTCTTCGGAGGAGAGCGGTGGTC-3'

ClinVar aggregate classification (germline): Likely benign. Review status: criteria provided, multiple submitters, no conflicts (2 of 4 stars). 2 submissions from 2 submitters: Likely benign (2). Last evaluated 2024-09-20.

Conditions:
Hereditary diffuse gastric adenocarcinoma (HDGC). Also called: DIFFUSE GASTRIC AND LOBULAR BREAST CANCER SYNDROME. Identifiers: Orphanet 26106, MedGen C1708349, MONDO:0007648, OMIM 137215.

Allele frequency attached by ClinVar (database versions not stated): gnomAD exomes below 0.00001; TOPMed below 0.00001.
gnomAD v4.1: 2 of 1,613,570 alleles (0.00012%); highest among the groups gnomAD compares: South Asian, 0.0011%; no homozygotes.

Submissions (2):

Myriad Genetics, Inc.
Classification: Likely benign for Hereditary diffuse gastric adenocarcinoma. Last evaluated: 2024-09-20. Review status: criteria provided, single submitter. Criteria: Myriad Autosomal Dominant, Autosomal Recessive and X-Linked Classification Criteria (2023). Collection method: clinical testing. Allele origin: unknown.
Comment: This variant is considered likely benign. This variant is intronic and is not expected to impact mRNA splicing.

Labcorp Genetics (formerly Invitae), Labcorp
Classification: Likely benign for Hereditary diffuse gastric adenocarcinoma. Last evaluated: 2023-11-27. Review status: criteria provided, single submitter. Criteria: Invitae Variant Classification Sherloc (09022015). Collection method: clinical testing. Allele origin: germline.